The following is an entry in ClinVar:

ClinVar aggregate classification (germline): Conflicting classifications of pathogenicity. Review status: criteria provided, conflicting classifications (1 of 4 stars). 4 submissions from 4 submitters: Pathogenic (1); Likely pathogenic (2); Uncertain significance (1). Last evaluated 2025-03-31.

Conditions:
X-linked Alport syndrome (ATS1). Also called: NEPHROPATHY AND DEAFNESS, X-LINKED; COL4A5-Related Nephropathy. Identifiers: Orphanet 63, Orphanet 88917, MedGen C4746986, MONDO:0010520, OMIM 301050.

Submissions (4):

Labcorp Genetics (formerly Invitae), Labcorp
Classification: Pathogenic. Last evaluated: 2025-03-31. Review status: criteria provided, single submitter. Criteria: Invitae Variant Classification Sherloc (09022015). Collection method: clinical testing. Allele origin: germline.
Comment: This sequence change replaces glycine, which is neutral and non-polar, with aspartic acid, which is acidic and polar, at codon 159 of the COL4A5 protein (p.Gly159Asp). This variant is not present in population databases (gnomAD no frequency). This missense change has been observed in individual(s) with clinical features of Alport syndrome (internal data). In at least one individual the variant was observed to be de novo. ClinVar contains an entry for this variant (Variation ID: 1053912). Invitae Evidence Modeling of protein sequence and biophysical properties (such as structural, functional, and spatial information, amino acid conservation, physicochemical variation, residue mobility, and thermodynamic stability) indicates that this missense variant is expected to disrupt COL4A5 protein function with a positive predictive value of 95%. For these reasons, this variant has been classified as Pathogenic.

3billion
Classification: Uncertain significance for X-linked Alport syndrome. Last evaluated: 2023-02-23. Review status: criteria provided, single submitter. Criteria: ACMG Guidelines, 2015. Collection method: clinical testing. Allele origin: unknown. Affected: yes.
Comment: The variant is not observed in the gnomAD v2.1.1 dataset. Missense changes are a common disease-causing mechanism. In silico tool predictions suggest damaging effect of the variant on gene or gene product (REVEL: 0.99; 3Cnet: 0.66). Same nucleotide change resulting in same amino acid change has been previously reported to be associated with COL4A5 related disorder (ClinVar ID: VCV001053912). However, the evidence of pathogenicity is insufficient at this time. Therefore, this variant is classified as VUS according to the recommendation of ACMG/AMP guideline.

Juno Genomics, Hangzhou Juno Genomics, Inc
Classification: Likely pathogenic for X-linked Alport syndrome. Review status: criteria provided, single submitter. Criteria: ACMG Guidelines, 2015. Collection method: clinical testing. Allele origin: germline.
Comment: Absent from controls (or at extremely low frequency if recessive) in Genome Aggregation Database.;Multiple lines of computational evidence support a deleterious effect on the gene or gene product.;The prevalence of the variant in affected individuals is significantly increased compared to the prevalence in controls.;Patient's phenotype or family history is highly specific for a disease with a single genetic etiology.

Precision Medicine Center, Zhengzhou University
Classification: Likely pathogenic for X-linked Alport syndrome. Review status: criteria provided, single submitter. Criteria: ACMG Guidelines, 2015. Collection method: research. Allele origin: germline. Affected: yes.
Comment: PM1:Located in a mutational hot spot PM2:not found in gnomAD PP1:Cosegregation with disease in multiple affected family members PP3:Multiple lines of computational evidence support a deleterious effect on the gene or gene product PP4:Patient's phenotype is highly specific for a disease

NM_033380.3(COL4A5):c.476G>A (p.Gly159Asp)

Gene: COL4A5 (collagen type IV alpha 5 chain; plus strand). Cytogenetic location: Xq22.3.
Variant type: single nucleotide variant.
Coding change: c.476G>A on transcript NM_033380.3 (MANE Select); coding-DNA position 476, G replaced by A.
Protein change: p.Gly159Asp; replaces glycine 159 with aspartic acid.
Molecular consequence: missense variant.
Genome position (GRCh38, 1-based): chrX:108,573,584, G>A. VCF-style: chrX-108573584-G-A. GRCh37 (hg19) VCF-style: chrX-107816814-G-A.
Other names: c.476G>A, p.Gly159Asp (NM_000495.5); short protein forms G159D.
Identifiers: ClinVar variation 1053912 (VCV001053912.12), dbSNP rs2147759208, ClinGen allele CA413920761.